The following is an entry in ClinVar:

NM_000429.3(MAT1A):c.821_822delinsCT (p.Trp274Ser)

Gene: MAT1A (methionine adenosyltransferase 1A; minus strand). Cytogenetic location: 10q22.3.
Variant type: Indel.
Coding change: c.821_822delinsCT on transcript NM_000429.3 (MANE Select); coding-DNA positions 821 to 822, GG replaced by CT.
Protein change: p.Trp274Ser; replaces tryptophan 274 with serine.
Molecular consequence: missense variant.
Genome position (GRCh38, 1-based): chr10:80,275,146-80,275,147, CC replaced by AG on the plus strand (GG replaced by CT on the coding strand, the reverse complement: MAT1A is on the minus strand). VCF-style: chr10-80275146-CC-AG. GRCh37 (hg19) VCF-style: chr10-82034902-CC-AG.
Other names: short protein forms W274S.
Identifiers: ClinVar variation 3614052 (VCV003614052.2).

ClinVar aggregate classification (germline): Uncertain significance (1 of 4 stars; one submission).

Conditions:
Hepatic methionine adenosyltransferase deficiency. Also called: MAT I/III DEFICIENCY; Deficiency of methionine adenosyltransferase; Isolated Persistent Hypermethioninemia; Methionine adenosyltransferase deficiency. Identifiers: Orphanet 168598, MedGen C0268621, MeSH C564683, MONDO:0009607, OMIM 250850.

Submission:

Labcorp Genetics (formerly Invitae), Labcorp
Classification: Uncertain significance for Hepatic methionine adenosyltransferase deficiency. Last evaluated: 2024-10-30. Review status: criteria provided, single submitter. Criteria: Invitae Variant Classification Sherloc (09022015). Collection method: clinical testing. Allele origin: germline.
Comment: This sequence change replaces tryptophan, which is neutral and slightly polar, with serine, which is neutral and polar, at codon 274 of the MAT1A protein (p.Trp274Ser). Information on the frequency of this variant in the gnomAD database is not available, as this variant may be reported differently in the database. This missense change has been observed in individual(s) with autosomal recessive hypermethioninemia (PMID: 26289392; internal data). An algorithm developed to predict the effect of missense changes on protein structure and function (PolyPhen-2) suggests that this variant is likely to be disruptive. In summary, the available evidence is currently insufficient to determine the role of this variant in disease. Therefore, it has been classified as a Variant of Uncertain Significance.

Literature cited by the submitters: PubMed 26289392.